The following is an entry in ClinVar:

ClinVar aggregate classification (germline): Uncertain significance (1 of 4 stars; one submission).

Conditions:
MHC class II deficiency. Also called: Bare lymphocyte syndrome 2; BLS, TYPE II. Identifiers: Orphanet 572, MedGen C5447452, MONDO:0008855.

Allele frequency attached by ClinVar (database versions not stated): gnomAD 0.00001; gnomAD exomes 0.00002; ExAC 0.00003; TOPMed 0.00003.
gnomAD v4.1: 30 of 1,613,980 alleles (0.0019%); highest among the groups gnomAD compares: East Asian, 0.027%; no homozygotes.

Submission:

Labcorp Genetics (formerly Invitae), Labcorp
Classification: Uncertain significance for MHC class II deficiency. Last evaluated: 2022-02-24. Review status: criteria provided, single submitter. Criteria: Invitae Variant Classification Sherloc (09022015). Collection method: clinical testing. Allele origin: germline.
Comment: Algorithms developed to predict the effect of missense changes on protein structure and function (SIFT, PolyPhen-2, Align-GVGD) all suggest that this variant is likely to be tolerated. In summary, the available evidence is currently insufficient to determine the role of this variant in disease. Therefore, it has been classified as a Variant of Uncertain Significance. This variant has not been reported in the literature in individuals affected with RFXANK-related conditions. This sequence change replaces valine, which is neutral and non-polar, with methionine, which is neutral and non-polar, at codon 231 of the RFXANK protein (p.Val231Met). This variant is present in population databases (rs757742036, gnomAD 0.06%).

NM_003721.4(RFXANK):c.691G>A (p.Val231Met)

Gene: RFXANK (regulatory factor X associated ankyrin containing protein; plus strand). Cytogenetic location: 19p13.11.
Variant type: single nucleotide variant.
Coding change: c.691G>A on transcript NM_003721.4 (MANE Select); coding-DNA position 691, G replaced by A.
Protein change: p.Val231Met; replaces valine 231 with methionine.
Molecular consequence: missense variant.
Genome position (GRCh38, 1-based): chr19:19,199,213, G>A. VCF-style: chr19-19199213-G-A. GRCh37 (hg19) VCF-style: chr19-19310022-G-A.
Other names: c.625G>A, p.Val209Met (NM_001278727.2, NM_001370234.1); c.622G>A, p.Val208Met (NM_001278728.2, NM_134440.3); c.691G>A, p.Val231Met (NM_001370233.1, NM_001370238.1); c.688G>A, p.Val230Met (NM_001370235.1, NM_001370236.1, NM_001370237.1); short protein forms V208M, V230M, V231M, V209M.
Identifiers: ClinVar variation 2157563 (VCV002157563.3), dbSNP rs757742036, ClinGen allele CA9322893.